The following is an entry in ClinVar:

ClinVar aggregate classification (germline): Uncertain significance (1 of 4 stars; one submission).

Conditions:
Deficiency of UDPglucose-hexose-1-phosphate uridylyltransferase. Also called: GALT deficiency; Galactosemia, classic; GALACTOSEMIA I; GALACTOSE-1-PHOSPHATE URIDYLYLTRANSFERASE DEFICIENCY; Transferase Deficiency Galactosemia. Identifiers: Orphanet 352, Orphanet 79239, MedGen C0268151, MONDO:0009258, OMIM 230400.

Submission:

Labcorp Genetics (formerly Invitae), Labcorp
Classification: Uncertain significance for Deficiency of UDPglucose-hexose-1-phosphate uridylyltransferase. Last evaluated: 2024-10-13. Review status: criteria provided, single submitter. Criteria: Invitae Variant Classification Sherloc (09022015). Collection method: clinical testing. Allele origin: germline.
Comment: This sequence change replaces leucine, which is neutral and non-polar, with isoleucine, which is neutral and non-polar, at codon 71 of the GALT protein (p.Leu71Ile). This variant is not present in population databases (gnomAD no frequency). This missense change has been observed in individual(s) with a positive newborn screening result for GALT-related disease (internal data). Invitae Evidence Modeling of protein sequence and biophysical properties (such as structural, functional, and spatial information, amino acid conservation, physicochemical variation, residue mobility, and thermodynamic stability) indicates that this missense variant is expected to disrupt GALT protein function with a positive predictive value of 80%. In summary, the available evidence is currently insufficient to determine the role of this variant in disease. Therefore, it has been classified as a Variant of Uncertain Significance.

NM_000155.4(GALT):c.211C>A (p.Leu71Ile)

Genes: GALT (galactose-1-phosphate uridylyltransferase; plus strand), LOC130001683 (ATAC-STARR-seq lymphoblastoid active region 28314; plus strand). Cytogenetic location: 9p13.3.
Variant type: single nucleotide variant.
Coding change: c.211C>A on transcript NM_000155.4 (MANE Select); coding-DNA position 211, C replaced by A.
Protein change: p.Leu71Ile; replaces leucine 71 with isoleucine.
Molecular consequence: missense variant. On other transcripts: synonymous variant (1).
Genome position (GRCh38, 1-based): chr9:34,647,217, C>A. VCF-style: chr9-34647217-C-A. GRCh37 (hg19) VCF-style: chr9-34647214-C-A.
Other names: c.9C>A, p.Leu3= (NM_001258332.2); short protein forms L71I.
Identifiers: ClinVar variation 3663723 (VCV003663723.2).